The following is an entry in ClinVar:

NM_018834.6(MATR3):c.*1259G>C

Gene: MATR3 (matrin 3; plus strand). Cytogenetic location: 5q31.2.
Variant type: single nucleotide variant.
Coding change: c.*1259G>C on transcript NM_018834.6 (MANE Select); 1259 bases downstream of the stop codon, G replaced by C.
Molecular consequence: 3 prime UTR variant.
Genome position (GRCh38, 1-based): chr5:139,330,654, G>C. VCF-style: chr5-139330654-G-C. GRCh37 (hg19) VCF-style: chr5-138666343-G-C.
Other names: c.*1259G>C (NM_001194954.2, NM_001194955.2, NM_001194956.2 and 2 more transcripts).
Identifiers: ClinVar variation 351168 (VCV000351168.5), dbSNP rs62381613, ClinGen allele CA3433596.
Genomic context (GRCh38, chr5:139,330,654, plus strand): 5'-ATAACTAAAAGTGAGGCCATTTGTGGTTTTTAAAAACCTTATGAATTAAAAATGCTACAG[G>C]TGAACAAACAGAAGCTTATGTTTAGAGATATTGATGACTTAACAGTACAATTGGAAGTAA-3'

ClinVar aggregate classification (germline): Benign (1 of 4 stars; one submission).

Conditions:
Amyotrophic lateral sclerosis type 21. Also called: VOCAL CORD AND PHARYNGEAL DYSFUNCTION WITH DISTAL MYOPATHY; MYOPATHY, DISTAL, 2. Identifiers: Orphanet 600, Orphanet 803, MedGen C3807521, MONDO:0011632, OMIM 606070.

Allele frequency attached by ClinVar (database versions not stated): ExAC 0.02795; gnomAD exomes 0.02877 and 0.03005; 1000 Genomes Project 30x 0.03873; 1000 Genomes Project 0.03894; gnomAD 0.04509 and 0.04668; TOPMed 0.04681.
gnomAD v4.1: 15,926 of 454,048 alleles (3.5%); highest among the groups gnomAD compares: African/African-American, 8.4%; 400 homozygotes.

Submission:

Illumina Laboratory Services, Illumina
Classification: Benign for Amyotrophic lateral sclerosis type 21. Last evaluated: 2018-01-13. Review status: criteria provided, single submitter. Criteria: ICSL Variant Classification Criteria 13 December 2019. Collection method: clinical testing. Allele origin: germline.
Comment: This variant was observed in the ICSL laboratory as part of a predisposition screen in an ostensibly healthy population. It had not been previously curated by ICSL or reported in the Human Gene Mutation Database (HGMD: prior to June 1st, 2018), and was therefore a candidate for classification through an automated scoring system. Utilizing variant allele frequency, disease prevalence and penetrance estimates, and inheritance mode, an automated score was calculated to assess if this variant is too frequent to cause the disease. Based on the score and internal cut-off values, a variant classified as benign is not then subjected to further curation. The score for this variant resulted in a classification of benign for this disease.